The following is an entry in ClinVar:

NM_033109.5(PNPT1):c.15G>A (p.Arg5=)

Genes: PNPT1 (polyribonucleotide nucleotidyltransferase 1; minus strand), LOC129933771 (ATAC-STARR-seq lymphoblastoid active region 15786; plus strand). Cytogenetic location: 2p16.1.
Variant type: single nucleotide variant.
Coding change: c.15G>A on transcript NM_033109.5 (MANE Select); coding-DNA position 15, G replaced by A.
Protein change: p.Arg5=; no amino-acid change (arginine 5 retained).
Molecular consequence: synonymous variant.
Genome position (GRCh38, 1-based): chr2:55,693,809, C>T on the plus strand (G>A on the coding strand, the complement: PNPT1 is on the minus strand). VCF-style: chr2-55693809-C-T. GRCh37 (hg19) VCF-style: chr2-55920944-C-T.
Identifiers: ClinVar variation 3047217 (VCV003047217.4), dbSNP rs772663841, ClinGen allele CA1668657.

ClinVar aggregate classification (germline): Likely benign. Review status: criteria provided, single submitter (1 of 4 stars). 2 submissions from 2 submitters: Likely benign (1). 1 of the submissions does not count toward it. Last evaluated 2024-07-01.

Conditions:
PNPT1-related disorder. Also called: PNPT1-related disorders; PNPT1-related condition.

Allele frequency attached by ClinVar (database versions not stated): TOPMed below 0.00001; ExAC 0.00001; gnomAD 0.00001.
gnomAD v4.1: 2 of 1,613,622 alleles (0.00012%); highest among the groups gnomAD compares: East Asian, 0.0022%; no homozygotes.

Submissions (2):

Labcorp Genetics (formerly Invitae), Labcorp
Classification: Likely benign. Last evaluated: 2024-07-01. Review status: criteria provided, single submitter. Criteria: Invitae Variant Classification Sherloc (09022015). Collection method: clinical testing. Allele origin: germline.

PreventionGenetics, part of Exact Sciences
Classification: Likely benign for PNPT1-related condition. Last evaluated: 2020-04-24. Review status: no assertion criteria provided. Collection method: clinical testing. Allele origin: germline. Not counted in ClinVar's aggregate classification.
Comment: This variant is classified as likely benign based on ACMG/AMP sequence variant interpretation guidelines (Richards et al. 2015 PMID: 25741868, with internal and published modifications).